The following is an entry in ClinVar:

NM_024642.5(GALNT12):c.133_152del (p.Ala45fs)

Gene: GALNT12 (polypeptide N-acetylgalactosaminyltransferase 12; plus strand). Cytogenetic location: 9q22.33.
Variant type: Deletion.
Coding change: c.133_152del on transcript NM_024642.5 (MANE Select); coding-DNA positions 133 to 152, 20 bases deleted (GCCGGGGCTGCCGAGCCGGG).
Protein change: p.Ala45fs; shifts the reading frame from alanine 45.
Molecular consequence: frameshift variant.
Genome position (GRCh38, 1-based): chr9:98,807,831-98,807,850, GCCGGGGCTGCCGAGCCGGG deleted; deleting any 20 consecutive bases within chr9:98,807,825-98,807,850 gives the same sequence; the c. name uses the placement nearest the transcript's 3' end. VCF-style (leftmost placement, unchanged base first): chr9-98807824-GGCCGGGGCCGGGGCTGCCGA-G. GRCh37 (hg19) VCF-style: chr9-101570106-GGCCGGGGCCGGGGCTGCCGA-G.
Other names: short protein forms A45fs.
Identifiers: ClinVar variation 2447048 (VCV002447048.4), dbSNP rs2490455187, ClinGen allele CA2580080827.

ClinVar aggregate classification (germline): Uncertain significance. Review status: criteria provided, multiple submitters, no conflicts (2 of 4 stars). 2 submissions from 2 submitters: Uncertain significance (2). Last evaluated 2025-08-12.

Submissions (2):

Dasa
Classification: Uncertain significance. Last evaluated: 2025-08-12. Review status: criteria provided, single submitter. Criteria: DASA Assertion Criteria. Collection method: clinical testing. Allele origin: germline.
Comment: NM_024642.5(GALNT12):c.133_152del (p.Ala45Thrfs*53) is a frameshift variant in GALNT12 predicted to alter the reading frame and introduce a premature termination codon. This variant is absent from population databases. The currently available literature and clinical evidence are not sufficient to establish a definitive association between this variant and the reported condition. Therefore, this variant is classified as a variant of uncertain significance.

Ambry Genetics
Classification: Uncertain significance. Last evaluated: 2022-11-23. Review status: criteria provided, single submitter. Criteria: Ambry Variant Classification Scheme 2023. Collection method: clinical testing. Allele origin: germline.
Comment: The c.133_152del20 variant, located in coding exon 1 of the GALNT12 gene, results from a deletion of 20 nucleotides at nucleotide positions 133 to 152, causing a translational frameshift with a predicted alternate stop codon (p.A45Tfs*53). This alteration is expected to result in loss of function by premature protein truncation or nonsense-mediated mRNA decay. The evidence for this gene-disease relationship is limited; therefore, the clinical significance of this alteration is unclear.